The following is an entry in ClinVar:

NM_022915.5(MRPL44):c.180-249C>A

Gene: MRPL44 (mitochondrial ribosomal protein L44; plus strand). Cytogenetic location: 2q36.1.
Variant type: single nucleotide variant.
Coding change: c.180-249C>A on transcript NM_022915.5 (MANE Select); 249 bases into the intron before coding-DNA position 180, C replaced by A.
Molecular consequence: intron variant.
Genome position (GRCh38, 1-based): chr2:223,959,285, C>A. VCF-style: chr2-223959285-C-A. GRCh37 (hg19) VCF-style: chr2-224824002-C-A.
Identifiers: ClinVar variation 669505 (VCV000669505.1), dbSNP rs13022402, ClinGen allele CA15148884.

ClinVar aggregate classification (germline): Benign (1 of 4 stars; one submission).

Allele frequency attached by ClinVar (database versions not stated): 1000 Genomes Project 30x 0.33151; 1000 Genomes Project 0.33427; TOPMed 0.35593; gnomAD 0.36318 and 0.36600.
gnomAD v4.1: 55,676 of 152,018 alleles (37%); highest among the groups gnomAD compares: Non-Finnish European, 44%; 10,972 homozygotes.

Submission:

GeneDx
Classification: Benign. Last evaluated: 2018-06-14. Review status: criteria provided, single submitter. Criteria: GeneDx Variant Classification (06012015). Collection method: clinical testing. Allele origin: germline. Affected: yes.
Comment: This variant is considered likely benign or benign based on one or more of the following criteria: it is a conservative change, it occurs at a poorly conserved position in the protein, it is predicted to be benign by multiple in silico algorithms, and/or has population frequency not consistent with disease.